The following continues an entry in ClinVar:

NM_000059.4(BRCA2):c.8187G>T (p.Lys2729Asn)

Gene: BRCA2. ClinVar aggregate classification (germline): Benign. Benign (1).

Submissions 22 to 32 of 32:

PreventionGenetics, part of Exact Sciences
Classification: Benign. Review status: criteria provided, single submitter. Criteria: ACMG Guidelines, 2015. Collection method: clinical testing. Allele origin: germline. Not counted in ClinVar's aggregate classification.

Counsyl
Classification: Benign for Breast-ovarian cancer, familial 2. Last evaluated: 2014-11-21. Review status: no assertion criteria provided. Collection method: literature only. Allele origin: unknown. Inheritance: Autosomal dominant inheritance. Not counted in ClinVar's aggregate classification.

ITMI
No classification provided. Condition: AllHighlyPenetrant. Last evaluated: 2013-09-19. Review status: no classification provided. Collection method: reference population. Allele origin: germline. Not counted in ClinVar's aggregate classification.
Comment: Please see associated publication for description of ethnicities

Foulkes Cancer Genetics LDI, Lady Davis Institute for Medical Research
Classification: Benign for Breast and/or ovarian cancer. Last evaluated: 2013-02-14. Review status: no assertion criteria provided. Collection method: clinical testing. Allele origin: germline. Study: The Canadian Open Genetics Repository (COGR). Not counted in ClinVar's aggregate classification.

Sharing Clinical Reports Project (SCRP)
Classification: Benign for Breast-ovarian cancer, familial 2. Last evaluated: 2011-03-14. Review status: no assertion criteria provided. Collection method: clinical testing. Allele origin: germline. Not counted in ClinVar's aggregate classification.

OMIM
Classification: Pathogenic for FANCONI ANEMIA, COMPLEMENTATION GROUP D1. Last evaluated: 2002-07-26. Review status: no assertion criteria provided. Collection method: literature only. Allele origin: germline. Not counted in ClinVar's aggregate classification.

Breast Cancer Information Core (BIC) (BRCA2)
Classification: Uncertain significance for Breast-ovarian cancer, familial 2. Last evaluated: 2002-05-29. Review status: no assertion criteria provided. Collection method: clinical testing. Allele origin: germline. Affected: yes. Observed: 24 variant alleles. Not counted in ClinVar's aggregate classification.

Center for Precision Medicine, Meizhou People's Hospital
Classification: Likely benign for Familial cancer of breast. Review status: no assertion criteria provided. Collection method: literature only. Allele origin: germline. Affected: yes. Not counted in ClinVar's aggregate classification.

Clinical Genetics DNA and cytogenetics Diagnostics Lab, Erasmus MC, Erasmus Medical Center
Classification: Benign. Review status: no assertion criteria provided. Collection method: clinical testing. Allele origin: germline. Affected: yes. Study: VKGL Data-share Consensus. Not counted in ClinVar's aggregate classification.

Department of Pathology and Laboratory Medicine, Sinai Health System
Classification: Benign for Malignant tumor of breast. Review status: no assertion criteria provided. Collection method: clinical testing. Allele origin: unknown. Affected: yes. Study: The Canadian Open Genetics Repository (COGR). Not counted in ClinVar's aggregate classification.
Comment: The p.Lys2729Asn variant is identified in the literature in at least 13 of 5204 proband chromosomes (frequency 0.002) in individuals with breast, ovarian, esophageal and hepatocelllar carcinoma, and in 7 of 1546 healthy control chromosomes (frequency 0.005); the elevated frequency in controls increases the likelihood that this variant is benign (Katagiri 1996, Zhi 2002, Hu 2004, Kawahara 2004, Ang 2007, Syamala 2007, Thirthagiri 2008, Lim 2009, Kaushal 2010, Akbari 2011). It is listed in the dbSNP database (ID# rs80359065) with a minor allele frequency of 0.003 (1000 genomes), also increasing the likelihood that this is a low frequency benign variant. Another variant at the same position, c.8187G>C, results in the same amino acid change and was reported in the UMD database in the presence of a second "pathogenic" variant, suggesting this variant may not have clinical significance. There was conflicting evidence in the literature as to the clinical significance of this variant. The p.Lys2729Asn variant was identified as co-occuring with a deleterious mutation, p.S2835X, in the BRCA2 gene in an acute myelogenous leukemia cell line from a Fanconi anemia patient (Howlett 2002, Ikeda 2003, Alter 2007). This suggests that the p.Lys2729Asn variant may play a role in this disorder whereby two BRCA2 mutations are required for disease progression, consistent with autosomal recessive inheritance. However, the p.Lys2729 residue is not highly conserved in mammals and computational analyses (PolyPhen2, SIFT, AlignGVGD, BLOSUM) provide inconsistent predictions regarding the impact to the protein, leaning more towards pathognic, but this information is not predictive enough to assume pathogenicity. This variant has been reported to have 614:1 odds in favour of neutrality (Easton 2007) and a recent functional study suggests that it is a neutral variant (Farrugia 2008). In addition, Biswas et al. (2011) recently carried out functional studies to show it is neutral variant. Furthermore, Myriad genetics classifies this variant as a polymorphism (personal communication). In summary, based on the above information this variant is classified as Benign.

Joint Genome Diagnostic Labs from Nijmegen and Maastricht, Radboudumc and MUMC+
Classification: Benign. Review status: no assertion criteria provided. Collection method: clinical testing. Allele origin: germline. Affected: yes. Study: VKGL Data-share Consensus. Not counted in ClinVar's aggregate classification.

Literature cited by the submitters: PubMed 23108138 (cited by 3 submitters); PubMed 33964450 (cited by Quest Diagnostics Nichols Institute San Juan Capistrano); PubMed 32467295 (cited by Quest Diagnostics Nichols Institute San Juan Capistrano); PubMed 32444794 (cited by Quest Diagnostics Nichols Institute San Juan Capistrano); PubMed 32455662 (cited by Quest Diagnostics Nichols Institute San Juan Capistrano); PubMed 29988080 (cited by Quest Diagnostics Nichols Institute San Juan Capistrano); PubMed 30415210 (cited by Quest Diagnostics Nichols Institute San Juan Capistrano); PubMed 28283652 (cited by Quest Diagnostics Nichols Institute San Juan Capistrano); PubMed 24082139 (cited by Quest Diagnostics Nichols Institute San Juan Capistrano and Counsyl); PubMed 21965345 (cited by Quest Diagnostics Nichols Institute San Juan Capistrano and Counsyl); PubMed 21719596 (cited by 4 submitters); PubMed 18451181 (cited by 4 submitters); PubMed 17924331 (cited by Quest Diagnostics Nichols Institute San Juan Capistrano and Counsyl); PubMed 12442274 (cited by Quest Diagnostics Nichols Institute San Juan Capistrano and Counsyl); PubMed 12065746 (cited by Quest Diagnostics Nichols Institute San Juan Capistrano and OMIM); PubMed 28222693 (cited by Quest Diagnostics Nichols Institute San Juan Capistrano); PubMed 8840963 (cited by Quest Diagnostics Nichols Institute San Juan Capistrano and Counsyl); PubMed 28111427 (cited by Quest Diagnostics Nichols Institute San Juan Capistrano); PubMed 25146914 (cited by Quest Diagnostics Nichols Institute San Juan Capistrano); PubMed 31825140 (cited by Quest Diagnostics Nichols Institute San Juan Capistrano); PubMed 30287823 (cited by Quest Diagnostics Nichols Institute San Juan Capistrano); PubMed 12750298 (cited by Illumina Laboratory Services, Illumina and Counsyl); PubMed 18627637 (cited by Illumina Laboratory Services, Illumina); PubMed 24728327 (cited by 4 submitters); PubMed 21990134 (cited by Counsyl); PubMed 19043619 (cited by Counsyl); PubMed 19473207 (cited by Counsyl); PubMed 24323938 (cited by Counsyl); PubMed 23231788 (cited by Counsyl).